The following is an entry in ClinVar:

NM_018051.5(DYNC2I1):c.2868G>A (p.Ala956=)

Gene: DYNC2I1 (dynein 2 intermediate chain 1; plus strand). Cytogenetic location: 7q36.3.
Variant type: single nucleotide variant.
Coding change: c.2868G>A on transcript NM_018051.5 (MANE Select); coding-DNA position 2868, G replaced by A.
Protein change: p.Ala956=; no amino-acid change (alanine 956 retained).
Molecular consequence: synonymous variant.
Genome position (GRCh38, 1-based): chr7:158,942,014, G>A. VCF-style: chr7-158942014-G-A. GRCh37 (hg19) VCF-style: chr7-158734705-G-A.
Other names: c.2868G>A (NM_018051.4); c.2730G>A, p.Ala910= (NM_001350914.2); c.2295G>A, p.Ala765= (NM_001350915.2); c.1407G>A, p.Ala469= (NM_001350916.2); c.1620G>A, p.Ala540= (NM_001350917.2, NM_001350918.2).
Identifiers: ClinVar variation 2729287 (VCV002729287.5), dbSNP rs745877834, ClinGen allele CA4595125.

ClinVar aggregate classification (germline): Benign. Review status: criteria provided, single submitter (1 of 4 stars). 2 submissions from 2 submitters: Benign (1). 1 of the submissions does not count toward it. Last evaluated 2024-08-04.

Conditions:
Short-rib thoracic dysplasia 8 with or without polydactyly (SRTD8). Also called: SHORT-RIB THORACIC DYSPLASIA 8 WITH POLYDACTYLY. Identifiers: Orphanet 93271, MedGen C3809691, MONDO:0014214, OMIM 615503.
DYNC2I1-related disorder. Also called: DYNC2I1-related condition.

Allele frequency attached by ClinVar (database versions not stated): ExAC 0.00004; gnomAD 0.00005; TOPMed 0.00012.
gnomAD v4.1: 39 of 1,613,420 alleles (0.0024%); highest among the groups gnomAD compares: East Asian, 0.067%; 1 homozygote.

Submissions (2):

Labcorp Genetics (formerly Invitae), Labcorp
Classification: Benign for Short-rib thoracic dysplasia 8 with or without polydactyly. Last evaluated: 2024-08-04. Review status: criteria provided, single submitter. Criteria: Invitae Variant Classification Sherloc (09022015). Collection method: clinical testing. Allele origin: germline.

PreventionGenetics, part of Exact Sciences
Classification: Likely benign for DYNC2I1-related condition. Last evaluated: 2019-09-10. Review status: no assertion criteria provided. Collection method: clinical testing. Allele origin: germline. Not counted in ClinVar's aggregate classification.
Comment: This variant is classified as likely benign based on ACMG/AMP sequence variant interpretation guidelines (Richards et al. 2015 PMID: 25741868, with internal and published modifications).